The following is an entry in ClinVar:

NM_020765.3(UBR4):c.6576G>A (p.Val2192=)

Gene: UBR4 (ubiquitin protein ligase E3 component n-recognin 4; minus strand). Cytogenetic location: 1p36.13.
Variant type: single nucleotide variant.
Coding change: c.6576G>A on transcript NM_020765.3 (MANE Select); coding-DNA position 6576, G replaced by A.
Protein change: p.Val2192=; no amino-acid change (valine 2192 retained).
Molecular consequence: synonymous variant.
Genome position (GRCh38, 1-based): chr1:19,153,822, C>T on the plus strand (G>A on the coding strand, the complement: UBR4 is on the minus strand). VCF-style: chr1-19153822-C-T. GRCh37 (hg19) VCF-style: chr1-19480316-C-T.
Identifiers: ClinVar variation 721441 (VCV000721441.4), dbSNP rs752984299, ClinGen allele CA650286.

ClinVar aggregate classification (germline): Likely benign. Review status: criteria provided, multiple submitters, no conflicts (2 of 4 stars). 2 submissions from 2 submitters: Likely benign (2). Last evaluated 2025-03-28.

Conditions:
UBR4-related disorder. Also called: UBR4-related condition.

Allele frequency attached by ClinVar (database versions not stated): ExAC 0.00001; gnomAD exomes 0.00001 and 0.00002; gnomAD 0.00003; TOPMed 0.00003.
gnomAD v4.1: 34 of 1,614,084 alleles (0.0021%); highest among the groups gnomAD compares: Non-Finnish European, 0.0025%; no homozygotes.

Submissions (2):

PreventionGenetics, part of Exact Sciences
Classification: Likely benign for UBR4-related condition. Last evaluated: 2025-03-28. Review status: criteria provided, single submitter. Criteria: ACMG Guidelines, 2015. Collection method: clinical testing. Allele origin: germline.
Comment: This variant is classified as likely benign based on ACMG/AMP sequence variant interpretation guidelines (Richards et al. 2015 PMID: 25741868, with internal and published modifications).

Labcorp Genetics (formerly Invitae), Labcorp
Classification: Likely benign. Last evaluated: 2018-12-24. Review status: criteria provided, single submitter. Criteria: Invitae Variant Classification Sherloc (09022015). Collection method: clinical testing. Allele origin: germline.